The following is an entry in ClinVar:

ClinVar aggregate classification (germline): Uncertain significance (1 of 4 stars; one submission).

Conditions:
Familial cancer of breast. Also called: BREAST CANCER, FAMILIAL; Hereditary breast cancer; hereditary breast carcinoma. Identifiers: Orphanet 227535, MedGen C0346153, MONDO:0016419, OMIM 114480. Disease mechanism: loss of function.

Submission:

Labcorp Genetics (formerly Invitae), Labcorp
Classification: Uncertain significance for Familial cancer of breast. Last evaluated: 2022-09-23. Review status: criteria provided, single submitter. Criteria: Invitae Variant Classification Sherloc (09022015). Collection method: clinical testing. Allele origin: germline.
Comment: This variant results in a copy number gain of the genomic region encompassing exon(s) 13 of the PALB2 gene. This region includes the termination codon of the gene. This copy number gain extends beyond the assayed region for this gene and therefore may encompass additional genes. As the precise location of this event is unknown, it may be in tandem or it may be located elsewhere in the genome. A similar copy number variant has been observed in individual(s) with clear cell peritoneal cancer (PMID: 26720728, 27757719). It has also been observed to segregate with disease in related individuals. In summary, the available evidence is currently insufficient to determine the role of this variant in disease. Therefore, it has been classified as a Variant of Uncertain Significance.

Literature cited by the submitters: PubMed 26720728; PubMed 27757719.

NC_000016.10:g.(?_23603313)_(23603679_?)dup

Gene: PALB2 (partner and localizer of BRCA2; minus strand). Cytogenetic location: 16p12.2.
Variant type: Duplication.
Identifiers: ClinVar variation 832951 (VCV000832951.6).